The following is an entry in ClinVar:

ClinVar aggregate classification (germline): Uncertain significance (1 of 4 stars; one submission).

Submission:

Labcorp Genetics (formerly Invitae), Labcorp
Classification: Uncertain significance. Last evaluated: 2023-06-03. Review status: criteria provided, single submitter. Criteria: Invitae Variant Classification Sherloc (09022015). Collection method: clinical testing. Allele origin: germline.
Comment: This sequence change replaces tyrosine, which is neutral and polar, with cysteine, which is neutral and slightly polar, at codon 3557 of the FAT4 protein (p.Tyr3557Cys). This variant is not present in population databases (gnomAD no frequency). This variant has not been reported in the literature in individuals affected with FAT4-related conditions. Advanced modeling of protein sequence and biophysical properties (such as structural, functional, and spatial information, amino acid conservation, physicochemical variation, residue mobility, and thermodynamic stability) performed at Invitae indicates that this missense variant is not expected to disrupt FAT4 protein function. In summary, the available evidence is currently insufficient to determine the role of this variant in disease. Therefore, it has been classified as a Variant of Uncertain Significance.

NM_001291303.3(FAT4):c.10676A>G (p.Tyr3559Cys)

Gene: FAT4 (FAT atypical cadherin 4; plus strand). Cytogenetic location: 4q28.1.
Variant type: single nucleotide variant.
Coding change: c.10676A>G on transcript NM_001291303.3 (MANE Select); coding-DNA position 10676, A replaced by G.
Protein change: p.Tyr3559Cys; replaces tyrosine 3559 with cysteine.
Molecular consequence: missense variant.
Genome position (GRCh38, 1-based): chr4:125,451,686, A>G. VCF-style: chr4-125451686-A-G. GRCh37 (hg19) VCF-style: chr4-126372841-A-G.
Other names: c.10676A>G, p.Tyr3559Cys (NM_001291285.3); c.10670A>G, p.Tyr3557Cys (NM_024582.6); short protein forms Y3559C, Y3557C.
Identifiers: ClinVar variation 2762962 (VCV002762962.3), dbSNP rs2530912102, ClinGen allele CA358159352.